The following is an entry in ClinVar:

ClinVar aggregate classification (germline): Uncertain significance (1 of 4 stars; one submission).

Submission:

GeneDx
Classification: Uncertain significance. Last evaluated: 2025-08-01. Review status: criteria provided, single submitter. Criteria: GeneDx Variant Classification Process June 2021. Collection method: clinical testing. Allele origin: germline. Affected: yes.
Comment: Not observed at significant frequency in large population cohorts (gnomAD); In silico analysis supports that this missense variant has a deleterious effect on protein structure/function; Has not been previously published as pathogenic or benign to our knowledge

NM_003709.4(KLF7):c.67T>G (p.Ser23Ala)

Gene: KLF7 (KLF transcription factor 7; minus strand). Cytogenetic location: 2q33.3.
Variant type: single nucleotide variant.
Coding change: c.67T>G on transcript NM_003709.4 (MANE Select); coding-DNA position 67, T replaced by G.
Protein change: p.Ser23Ala; replaces serine 23 with alanine.
Molecular consequence: missense variant. On other transcripts: non-coding transcript variant (1), intron variant (1).
Genome position (GRCh38, 1-based): chr2:207,165,502, A>C on the plus strand (T>G on the coding strand, the complement: KLF7 is on the minus strand). VCF-style: chr2-207165502-A-C. GRCh37 (hg19) VCF-style: chr2-208030226-A-C.
Other names: c.67T>G, p.Ser23Ala (NM_001270942.1, NM_001438026.1); c.3+1638T>G (NM_001270943.2); short protein forms S23A.
Identifiers: ClinVar variation 4690204 (VCV004690204.1).